The following is an entry in ClinVar:

NM_003106.4(SOX2):c.694A>G (p.Thr232Ala)

Genes: SOX2 (SRY-box transcription factor 2; plus strand), SOX2-OT (SOX2 overlapping transcript; plus strand). Cytogenetic location: 3q26.33.
Variant type: single nucleotide variant.
Coding change: c.694A>G on transcript NM_003106.4 (MANE Select); coding-DNA position 694, A replaced by G.
Protein change: p.Thr232Ala; replaces threonine 232 with alanine.
Molecular consequence: missense variant.
Genome position (GRCh38, 1-based): chr3:181,713,054, A>G. VCF-style: chr3-181713054-A-G. GRCh37 (hg19) VCF-style: chr3-181430842-A-G.
Other names: c.694A>G (NM_003106.3); short protein forms T232A.
Identifiers: ClinVar variation 2737796 (VCV002737796.4), dbSNP rs763171566, ClinGen allele CA2717308.

ClinVar aggregate classification (germline): Conflicting classifications of pathogenicity. Review status: criteria provided, conflicting classifications (1 of 4 stars). 2 submissions from 2 submitters: Uncertain significance (1); Benign (1). Last evaluated 2024-11-01.

Conditions:
Anophthalmia/microphthalmia-esophageal atresia syndrome (MCOPS3). Also called: SOX2 Disorder; MICROPHTHALMIA AND ESOPHAGEAL ATRESIA SYNDROME; AEG SYNDROME. Identifiers: Orphanet 77298, MedGen C1859773, MONDO:0008799, OMIM 206900.

Allele frequency attached by ClinVar (database versions not stated): gnomAD exomes below 0.00001; ExAC 0.00002; TOPMed 0.00005.

Submissions (2):

GeneDx
Classification: Uncertain significance. Last evaluated: 2024-11-01. Review status: criteria provided, single submitter. Criteria: GeneDx Variant Classification Process June 2021. Collection method: clinical testing. Allele origin: germline. Affected: yes.
Comment: In silico analysis supports that this missense variant does not alter protein structure/function; Has not been previously published as pathogenic or benign to our knowledge

Labcorp Genetics (formerly Invitae), Labcorp
Classification: Benign for Anophthalmia/microphthalmia-esophageal atresia syndrome. Last evaluated: 2024-01-02. Review status: criteria provided, single submitter. Criteria: Invitae Variant Classification Sherloc (09022015). Collection method: clinical testing. Allele origin: germline.